The following is an entry in ClinVar:

NM_001267550.2(TTN):c.78676G>C (p.Glu26226Gln)

Genes: TTN-AS1 (TTN antisense RNA 1; plus strand), TTN (titin; minus strand). Cytogenetic location: 2q31.2.
Variant type: single nucleotide variant.
Coding change: c.78676G>C on transcript NM_001267550.2 (MANE Select); coding-DNA position 78676, G replaced by C.
Protein change: p.Glu26226Gln; replaces glutamic acid 26226 with glutamine.
Molecular consequence: missense variant.
Genome position (GRCh38, 1-based): chr2:178,567,456, C>G on the plus strand (G>C on the coding strand, the complement: TTN is on the minus strand). VCF-style: chr2-178567456-C-G. GRCh37 (hg19) VCF-style: chr2-179432183-C-G.
Other names: c.73753G>C, p.Glu24585Gln (NM_001256850.1); c.51481G>C, p.Glu17161Gln (NM_003319.4); c.70972G>C, p.Glu23658Gln (NM_133378.4); c.51856G>C, p.Glu17286Gln (NM_133432.3); c.52057G>C, p.Glu17353Gln (NM_133437.4); short protein forms E26226Q, E23658Q, E17161Q, E17353Q, E24585Q, E17286Q.
Identifiers: ClinVar variation 404914 (VCV000404914.20), dbSNP rs754878387, ClinGen allele CA1989572.

ClinVar aggregate classification (germline): Uncertain significance. Review status: criteria provided, multiple submitters, no conflicts (2 of 4 stars). 7 submissions from 7 submitters: Uncertain significance (6). 1 of the submissions does not count toward it. Last evaluated 2026-01-21.

Conditions:
Autosomal recessive limb-girdle muscular dystrophy type 2J (LGMDR10). Also called: Limb-girdle muscular dystrophy, type 2J; MUSCULAR DYSTROPHY, LIMB-GIRDLE, AUTOSOMAL RECESSIVE 10. Identifiers: Orphanet 140922, MedGen C1837342, MONDO:0012127, OMIM 608807.
Dilated cardiomyopathy 1G (CMD1G). Identifiers: Orphanet 154, MedGen C1858763, MONDO:0011400, OMIM 604145.
TTN-related disorder. Also called: TTN-related condition; TTN-related disease; TTN-related disorders.
Early-onset myopathy with fatal cardiomyopathy (CMYO5). Also called: CONGENITAL MYOPATHY 5 WITH CARDIOMYOPATHY; Salih Myopathy. Identifiers: Orphanet 289377, MedGen C2673677, MONDO:0012714, OMIM 611705. Disease mechanism: loss of function.
Hypertrophic cardiomyopathy 9. Also called: Familial hypertrophic cardiomyopathy 9. Identifiers: MedGen C1861065, MONDO:0013412, OMIM 613765.
Tibial muscular dystrophy (TMD). Also called: Tibial muscular dystrophy, tardive; Udd Distal Myopathy – Tibial Muscular Dystrophy; UDD MYOPATHY. Identifiers: Orphanet 609, MedGen C1838244, MONDO:0010870, OMIM 600334.
Myopathy, myofibrillar, 9, with early respiratory failure (MFM9). Also called: Myopathy, distal, with early respiratory failure, autosomal dominant; Hereditary myopathy with early respiratory failure; MYOPATHY, PROXIMAL, WITH EARLY RESPIRATORY MUSCLE INVOLVEMENT; EDSTROM MYOPATHY. Identifiers: Orphanet 178464, Orphanet 34521, MedGen C1863599, MONDO:0011362, OMIM 603689.

Allele frequency attached by ClinVar (database versions not stated): TOPMed 0.00003.
gnomAD v4.1: 67 of 1,613,000 alleles (0.0042%); highest among the groups gnomAD compares: Middle Eastern, 0.05%; no homozygotes.

Submissions (7):

PreventionGenetics, part of Exact Sciences
Classification: Uncertain significance for TTN-related condition. Last evaluated: 2026-01-21. Review status: criteria provided, single submitter. Criteria: ACMG Guidelines, 2015. Collection method: clinical testing. Allele origin: germline.
Comment: The TTN c.78676G>C variant is predicted to result in the amino acid substitution p.Glu26226Gln. This variant has been reported in an individual with hypertrophic cardiomyopathy (referred to as c.70972G>C, p.Glu23658Gln in transcript NM_133378, Martínez-Barrios et al. 2022. PubMed ID: 35207729). This variant is reported in 0.029% of alleles in individuals of Ashkenazi Jewish descent in gnomAD and is interpreted as uncertain in ClinVar (Variation ID: 404914). At this time, the clinical significance of this variant is uncertain due to the absence of conclusive functional and genetic evidence.

CeGaT Center for Human Genetics Tuebingen
Classification: Uncertain significance. Last evaluated: 2025-07-01. Review status: criteria provided, single submitter. Criteria: CeGaT Center For Human Genetics Tuebingen Variant Classification Criteria Version 2. Collection method: clinical testing. Allele origin: germline. Affected: yes. Observed: 1 variant allele.
Comment: TTN: PM2, BP4

Athena Diagnostics
Classification: Uncertain significance. Last evaluated: 2024-04-15. Review status: criteria provided, single submitter. Criteria: Athena Diagnostics Criteria. Collection method: clinical testing. Allele origin: unknown.
Comment: Available data are insufficient to determine the clinical significance of the variant at this time. The frequency of this variant in the general population is higher than would generally be expected for pathogenic variants in this gene. Computational tools disagree on the variant's effect on normal protein function.

Revvity Omics, Revvity
Classification: Uncertain significance. Last evaluated: 2023-03-08. Review status: criteria provided, single submitter. Criteria: ACMG Guidelines, 2015. Collection method: clinical testing. Allele origin: germline.

Fulgent Genetics
Classification: Uncertain significance for Tibial muscular dystrophy; Myopathy, myofibrillar, 9, with early respiratory failure; Dilated cardiomyopathy 1G; Autosomal recessive limb-girdle muscular dystrophy type 2J; Early-onset myopathy with fatal cardiomyopathy; Hypertrophic cardiomyopathy 9. Last evaluated: 2021-10-12. Review status: criteria provided, single submitter. Criteria: ACMG Guidelines, 2015. Collection method: clinical testing. Allele origin: unknown.

Labcorp Genetics (formerly Invitae), Labcorp
Classification: Uncertain significance for Dilated cardiomyopathy 1G; Autosomal recessive limb-girdle muscular dystrophy type 2J. Last evaluated: 2016-05-11. Review status: criteria provided, single submitter. Criteria: Invitae Variant Classification Sherloc (09022015). Collection method: clinical testing. Allele origin: germline.

Department of Pathology and Laboratory Medicine, Sinai Health System
Classification: Uncertain significance. Review status: no assertion criteria provided. Collection method: clinical testing. Allele origin: unknown. Affected: yes. Study: The Canadian Open Genetics Repository (COGR). Not counted in ClinVar's aggregate classification.
Comment: The TTN p.Glu17286Gln variant was not identified in the literature nor was it identified in Cosmic or LOVD 3.0. The variant was identified in dbSNP (ID: rs754878387) and in ClinVar (classified as a VUS by Invitae in 2016). The p.Glu17286Gln variant was identified in control databases in 19 of 279566 chromosomes at a frequency of 0.000068 (Genome Aggregation Database Feb 27, 2017). The variant was observed in the following populations: Ashkenazi Jewish in 3 of 10310 chromosomes (freq: 0.000291), Latino in 10 of 35252 chromosomes (freq: 0.000284), Other in 1 of 7096 chromosomes (freq: 0.000141) and European (non-Finnish) in 5 of 127858 chromosomes (freq: 0.000039); it was not observed in the African, East Asian, European (Finnish), and South Asian populations. The p.Glu17286 residue is conserved in mammals and but not in other organisms, and 3 of 3 computational analyses (PolyPhen-2, BLOSUM, MutationTaster) do not suggest a high likelihood of impact to the protein; this information is not predictive enough to rule out pathogenicity. The variant occurs outside of the splicing consensus sequence however 2 of 4 in silico or computational prediction software programs (SpliceSiteFinder, MaxEntScan) predict the creation of a new 3' splice site. In summary, based on the above information the clinical significance of this variant cannot be determined with certainty at this time. This variant is classified as a variant of uncertain significance.

Literature cited by the submitters: PubMed 35207729 (cited by Athena Diagnostics).